The following is an entry in ClinVar:

ClinVar aggregate classification (germline): Conflicting classifications of pathogenicity. Review status: criteria provided, conflicting classifications (1 of 4 stars). 5 submissions from 5 submitters: Likely pathogenic (1); Uncertain significance (4). Last evaluated 2026-02-03.

Conditions:
Hereditary cancer-predisposing syndrome. Also called: Neoplastic Syndromes, Hereditary; Tumor predisposition; Hereditary neoplastic syndrome; Hereditary Cancer Syndrome. Identifiers: Orphanet 140162, MedGen C0027672, MeSH D009386, MONDO:0015356.
Cardiovascular phenotype. Identifiers: MedGen CN230736.
LZTR1-related schwannomatosis. Also called: Schwannomatosis-2, susceptibility to; Schwannomatosis 2. Identifiers: Orphanet 93921, MedGen C3810283, MONDO:0014299, OMIM 615670.

Allele frequency attached by ClinVar (database versions not stated): TOPMed below 0.00001; ExAC 0.00001; gnomAD 0.00001; gnomAD exomes 0.00003.
gnomAD v4.1: 19 of 1,612,530 alleles (0.0012%); highest among the groups gnomAD compares: Non-Finnish European, 0.00017%; no homozygotes.

Submissions (5):

Labcorp Genetics (formerly Invitae), Labcorp
Classification: Likely pathogenic. Last evaluated: 2026-02-03. Review status: criteria provided, single submitter. Criteria: Invitae Variant Classification Sherloc (09022015). Collection method: clinical testing. Allele origin: germline.
Comment: This sequence change affects an acceptor splice site in intron 11 of the LZTR1 gene. It is expected to disrupt RNA splicing. Variants that disrupt the donor or acceptor splice site typically lead to a loss of protein function (PMID: 16199547), and loss-of-function variants in LZTR1 are known to be pathogenic (PMID: 24362817, 25335493, 25480913, 25795793, 29469822, 30368668, 30442762, 30442766, 30481304, 30859559). This variant is present in population databases (rs759240190, gnomAD 0.03%). This variant has not been reported in the literature in individuals affected with LZTR1-related conditions. ClinVar contains an entry for this variant (Variation ID: 1313222). Algorithms developed to predict the effect of sequence changes on RNA splicing suggest that this variant may disrupt the consensus splice site. In summary, the currently available evidence indicates that the variant is pathogenic, but additional data are needed to prove that conclusively. Therefore, this variant has been classified as Likely Pathogenic.

Ambry Genetics
Classification: Uncertain significance for Cardiovascular phenotype; Hereditary cancer-predisposing syndrome. Last evaluated: 2025-03-25. Review status: criteria provided, single submitter. Criteria: Ambry Variant Classification Scheme 2023. Collection method: clinical testing. Allele origin: germline.
Comment: The c.1261-2A>G intronic variant results from an A to G substitution two nucleotides upstream from coding exon 12 in the LZTR1 gene. Alterations that disrupt the canonical splice site are expected to result in aberrant splicing. In silico splice site analysis predicts that this alteration will weaken the native splice acceptor site and may result in the creation or strengthening of a novel splice acceptor site. The resulting transcript is predicted to be in-frame and is not expected to trigger nonsense-mediated mRNAdecay; although, direct evidence is unavailable. This nucleotide position is highly conserved in available vertebrate species. Based on the available evidence, the clinical significance of this variant remains unclear.

Baylor Genetics
Classification: Uncertain significance for LZTR1-related schwannomatosis. Last evaluated: 2023-05-12. Review status: criteria provided, single submitter. Criteria: ACMG Guidelines, 2015. Collection method: clinical testing. Allele origin: unknown.

Blueprint Genetics
Classification: Uncertain significance. Last evaluated: 2022-10-27. Review status: criteria provided, single submitter. Criteria: ACMG Guidelines, 2015. Collection method: clinical testing. Allele origin: germline.

GeneDx
Classification: Uncertain significance. Last evaluated: 2020-10-14. Review status: criteria provided, single submitter. Criteria: GeneDx Variant Classification Process June 2021. Collection method: clinical testing. Allele origin: germline. Affected: yes.
Comment: Canonical splice site variant expected to result in aberrant splicing, although in the absence of functional evidence the actual effect of this sequence change is unknown.; Has not been previously published as pathogenic or benign to our knowledge

Literature cited by the submitters: PubMed 16199547 (cited by Labcorp Genetics (formerly Invitae), Labcorp); PubMed 24362817 (cited by Labcorp Genetics (formerly Invitae), Labcorp); PubMed 25335493 (cited by Labcorp Genetics (formerly Invitae), Labcorp); PubMed 25480913 (cited by Labcorp Genetics (formerly Invitae), Labcorp); PubMed 25795793 (cited by Labcorp Genetics (formerly Invitae), Labcorp); PubMed 29469822 (cited by Labcorp Genetics (formerly Invitae), Labcorp); PubMed 30368668 (cited by Labcorp Genetics (formerly Invitae), Labcorp); PubMed 30442762 (cited by Labcorp Genetics (formerly Invitae), Labcorp); PubMed 30442766 (cited by Labcorp Genetics (formerly Invitae), Labcorp); PubMed 30481304 (cited by Labcorp Genetics (formerly Invitae), Labcorp); PubMed 30859559 (cited by Labcorp Genetics (formerly Invitae), Labcorp).

NM_006767.4(LZTR1):c.1261-2A>G

Gene: LZTR1 (leucine zipper like post translational regulator 1; plus strand). Cytogenetic location: 22q11.21.
Variant type: single nucleotide variant.
Coding change: c.1261-2A>G on transcript NM_006767.4 (MANE Select); the canonical splice acceptor site of the intron before coding-DNA position 1261, A replaced by G.
Molecular consequence: splice acceptor variant.
Genome position (GRCh38, 1-based): chr22:20,993,660, A>G. VCF-style: chr22-20993660-A-G. GRCh37 (hg19) VCF-style: chr22-21347949-A-G.
Other names: c.1261-2A>G (NM_006767.3).
Identifiers: ClinVar variation 1313222 (VCV001313222.8), dbSNP rs759240190, ClinGen allele CA10118796.
Genomic context (GRCh38, chr22:20,993,660, plus strand): 5'-ACAGCCACACTGGGGCCACCCTGCTGTCTGCAACATCTAGTCTCACTGGGCCCCTCTTGC[A>G]GTTCTCCTGTTACCCTAAATGCACGCTGCACGAGGACTACGGGCGGCTGTGGGAGAGCCG-3'